The following is an entry in ClinVar:

NM_001365536.1(SCN9A):c.5096G>A (p.Gly1699Asp)

Genes: SCN9A (sodium voltage-gated channel alpha subunit 9; minus strand), SCN1A-AS1 (SCN1A and SCN9A antisense RNA 1; plus strand). Cytogenetic location: 2q24.3.
Variant type: single nucleotide variant.
Coding change: c.5096G>A on transcript NM_001365536.1 (MANE Select); coding-DNA position 5096, G replaced by A.
Protein change: p.Gly1699Asp; replaces glycine 1699 with aspartic acid.
Molecular consequence: missense variant.
Genome position (GRCh38, 1-based): chr2:166,199,543, C>T on the plus strand (G>A on the coding strand, the complement: SCN9A is on the minus strand). VCF-style: chr2-166199543-C-T. GRCh37 (hg19) VCF-style: chr2-167056053-C-T.
Other names: c.5063G>A, p.Gly1688Asp (NM_002977.4); short protein forms G1699D, G1688D.
Identifiers: ClinVar variation 1471151 (VCV001471151.8), dbSNP rs761880427, ClinGen allele CA349054723.

ClinVar aggregate classification (germline): Uncertain significance (1 of 4 stars; one submission).

Conditions:
Neuropathy, hereditary sensory and autonomic, type 2A (HSAN2A). Also called: WNK1-Related HSAN2 (HSAN2A); ACROOSTEOLYSIS, GIACCAI TYPE; ACROOSTEOLYSIS, NEUROGENIC; HSAN IIA; MORVAN DISEASE; NEUROPATHY, CONGENITAL SENSORY. Identifiers: Orphanet 970, MedGen C2752089, MONDO:0024309, OMIM 201300.
Generalized epilepsy with febrile seizures plus, type 7 (GEFSP7). Also called: GEFS+, TYPE 7. Identifiers: Orphanet 36387, MedGen C2751778, MONDO:0013470, OMIM 613863.

Submission:

Labcorp Genetics (formerly Invitae), Labcorp
Classification: Uncertain significance for Neuropathy, hereditary sensory and autonomic, type 2A; Generalized epilepsy with febrile seizures plus, type 7. Last evaluated: 2020-12-19. Review status: criteria provided, single submitter. Criteria: Invitae Variant Classification Sherloc (09022015). Collection method: clinical testing. Allele origin: germline.
Comment: In summary, the available evidence is currently insufficient to determine the role of this variant in disease. Therefore, it has been classified as a Variant of Uncertain Significance. Algorithms developed to predict the effect of missense changes on protein structure and function (SIFT, PolyPhen-2, Align-GVGD) all suggest that this variant is likely to be disruptive, but these predictions have not been confirmed by published functional studies and their clinical significance is uncertain. This variant has not been reported in the literature in individuals with SCN9A-related conditions. This variant is not present in population databases (ExAC no frequency). This sequence change replaces glycine with aspartic acid at codon 1688 of the SCN9A protein (p.Gly1688Asp). The glycine residue is highly conserved and there is a moderate physicochemical difference between glycine and aspartic acid.